The following is an entry in ClinVar:

ClinVar aggregate classification (germline): Pathogenic (1 of 4 stars; one submission).

Conditions:
X-linked severe combined immunodeficiency (SCIDX1). Also called: X-Linked Combined Immunodeficiency Diseases; IMMUNODEFICIENCY 4; SCID, X-LINKED; SEVERE COMBINED IMMUNODEFICIENCY, X-LINKED, T CELL-NEGATIVE, B CELL-POSITIVE, NK CELL-NEGATIVE; T-B+ severe combined immunodeficiency due to gamma chain deficiency. Identifiers: Orphanet 276, MedGen C6022468, MONDO:0010315, OMIM 300400. Disease mechanism: loss of function.

Submission:

Labcorp Genetics (formerly Invitae), Labcorp
Classification: Pathogenic for X-linked severe combined immunodeficiency. Last evaluated: 2019-11-14. Review status: criteria provided, single submitter. Criteria: Invitae Variant Classification Sherloc (09022015). Collection method: clinical testing. Allele origin: germline.
Comment: This variant has not been reported in the literature in individuals with IL2RG-related conditions. This sequence change creates a premature translational stop signal (p.Val202Glyfs*3) in the IL2RG gene. It is expected to result in an absent or disrupted protein product. This variant is not present in population databases (ExAC no frequency). Loss-of-function variants in IL2RG are known to be pathogenic (PMID: 9058718, 10794430). For these reasons, this variant has been classified as Pathogenic.

Literature cited by the submitters: PubMed 9058718; PubMed 10794430.

NM_000206.3(IL2RG):c.603_604del (p.Val202fs)

Gene: IL2RG (interleukin 2 receptor subunit gamma; minus strand). Cytogenetic location: Xq13.1.
Variant type: Deletion.
Coding change: c.603_604del on transcript NM_000206.3 (MANE Select); coding-DNA positions 603 to 604, 2 bases deleted (AG; older notation c.603_604delAG).
Protein change: p.Val202fs; shifts the reading frame from valine 202.
Molecular consequence: frameshift variant.
Genome position (GRCh38, 1-based): chrX:71,109,381-71,109,382, CT deleted on the plus strand (AG on the coding strand, the reverse complement: IL2RG is on the minus strand). VCF-style (leftmost placement, unchanged base first): chrX-71109380-ACT-A. GRCh37 (hg19) VCF-style: chrX-70329230-ACT-A.
Other names: short protein forms V202fs.
Identifiers: ClinVar variation 957973 (VCV000957973.7), dbSNP rs2092258288, ClinGen allele CA1139667632.